The following is an entry in ClinVar:

ClinVar aggregate classification (germline): Likely benign (1 of 4 stars; one submission).

Submission:

CeGaT Center for Human Genetics Tuebingen
Classification: Likely benign. Last evaluated: 2025-05-01. Review status: criteria provided, single submitter. Criteria: CeGaT Center For Human Genetics Tuebingen Variant Classification Criteria Version 2. Collection method: clinical testing. Allele origin: germline. Affected: yes. Observed: 1 variant allele.
Comment: MTMR2: PM2:Supporting, BP4, BP7

NM_016156.6(MTMR2):c.834A>G (p.Gln278=)

Gene: MTMR2 (myotubularin related protein 2; minus strand). Cytogenetic location: 11q21.
Variant type: single nucleotide variant.
Coding change: c.834A>G on transcript NM_016156.6 (MANE Select); coding-DNA position 834, A replaced by G.
Protein change: p.Gln278=; no amino-acid change (glutamine 278 retained).
Molecular consequence: synonymous variant.
Genome position (GRCh38, 1-based): chr11:95,849,833, T>C on the plus strand (A>G on the coding strand, the complement: MTMR2 is on the minus strand). VCF-style: chr11-95849833-T-C. GRCh37 (hg19) VCF-style: chr11-95582997-T-C.
Other names: c.618A>G, p.Gln206= (NM_001243571.2, NM_201278.3, NM_201281.3).
Identifiers: ClinVar variation 3905792 (VCV003905792.10).